The following is an entry in ClinVar:

NM_000093.5(COL5A1):c.2034+256C>T

Gene: COL5A1 (collagen type V alpha 1 chain; plus strand). Cytogenetic location: 9q34.3.
Variant type: single nucleotide variant.
Coding change: c.2034+256C>T on transcript NM_000093.5 (MANE Select); 256 bases into the intron after coding-DNA position 2034, C replaced by T.
Molecular consequence: intron variant.
Genome position (GRCh38, 1-based): chr9:134,763,993, C>T. VCF-style: chr9-134763993-C-T. GRCh37 (hg19) VCF-style: chr9-137655839-C-T.
Other names: c.2034+256C>T (NM_001278074.1).
Identifiers: ClinVar variation 683362 (VCV000683362.1), dbSNP rs73664133, ClinGen allele CA13137923.

ClinVar aggregate classification (germline): Benign (1 of 4 stars; one submission).

Allele frequency attached by ClinVar (database versions not stated): gnomAD 0.09912 and 0.10146; TOPMed 0.12917; 1000 Genomes Project 30x 0.18988; 1000 Genomes Project 0.19030.
gnomAD v4.1: 14,733 of 146,148 alleles (10%); highest among the groups gnomAD compares: East Asian, 25%; 1,199 homozygotes.

Submission:

GeneDx
Classification: Benign. Last evaluated: 2018-06-14. Review status: criteria provided, single submitter. Criteria: GeneDx Variant Classification (06012015). Collection method: clinical testing. Allele origin: germline. Affected: yes.
Comment: This variant is considered likely benign or benign based on one or more of the following criteria: it is a conservative change, it occurs at a poorly conserved position in the protein, it is predicted to be benign by multiple in silico algorithms, and/or has population frequency not consistent with disease.